The following is an entry in ClinVar:

ClinVar aggregate classification (germline): Benign/Likely benign. Review status: criteria provided, multiple submitters, no conflicts (2 of 4 stars). 10 submissions from 10 submitters: Benign (6); Likely benign (2). 2 of the submissions do not count toward it. Last evaluated 2025-07-18.

Conditions:
Deficiency of butyryl-CoA dehydrogenase (ACADSD). Also called: SCAD Deficiency; ACADS DEFICIENCY; SCAD DEFICIENCY, MILD; Short-Chain Acyl-CoA Dehydrogenase Deficiency; SCADH DEFICIENCY; ACYL-CoA DEHYDROGENASE, SHORT-CHAIN, DEFICIENCY OF. Identifiers: Orphanet 26792, MedGen C0342783, MONDO:0008722, OMIM 201470. Disease mechanism: May be benign.

Allele frequency attached by ClinVar (database versions not stated): 1000 Genomes Project 0.01558; ExAC 0.03132; gnomAD 0.03161 and 0.03280; gnomAD exomes 0.04253 and 0.03088; 1000 Genomes Project 30x 0.01483; TOPMed 0.02882.
gnomAD v4.1: 66,708 of 1,613,908 alleles (4.1%); highest among the groups gnomAD compares: Non-Finnish European, 4.8%; 1,595 homozygotes.

Submissions (10):

ARUP Laboratories, Molecular Genetics and Genomics, ARUP Laboratories
Classification: Benign for Deficiency of butyryl-CoA dehydrogenase. Last evaluated: 2025-07-18. Review status: criteria provided, single submitter. Criteria: ARUP Molecular Germline Variant Investigation Process 2024. Collection method: clinical testing. Allele origin: germline.

Laboratory of Genetics, Children's Clinical University Hospital Latvia
Classification: Likely benign. Last evaluated: 2025-02-16. Review status: criteria provided, single submitter. Criteria: ACMG Guidelines, 2015. Collection method: clinical testing. Allele origin: germline. Affected: yes.

Mendelics
Classification: Benign for Deficiency of butyryl-CoA dehydrogenase. Last evaluated: 2023-08-22. Review status: criteria provided, single submitter. Criteria: Mendelics Assertion Criteria 2019. Collection method: clinical testing. Allele origin: germline.

Victorian Clinical Genetics Services, Murdoch Childrens Research Institute
Classification: Likely benign for Deficiency of butyryl-CoA dehydrogenase. Last evaluated: 2022-02-02. Review status: criteria provided, single submitter. Criteria: ACMG Guidelines, 2015. Collection method: clinical testing. Allele origin: germline.
Comment: Based on the classification scheme VCGS_Germline_v1.3.4, this variant is classified as likely benign. Following criteria are met: 0308 - Population frequency for this variant is out of keeping with known incidence of acyl-CoA dehydrogenase, short-chain, deficiency of (MIM#201470). (SB) Legend: (SP) - Supporting pathogenic, (I) - Information, (SB) - Supporting benign

Genome-Nilou Lab
Classification: Benign for Deficiency of butyryl-CoA dehydrogenase. Last evaluated: 2021-11-07. Review status: criteria provided, single submitter. Criteria: ACMG Guidelines, 2015. Collection method: clinical testing. Allele origin: germline. Affected: no.

Labcorp Genetics (formerly Invitae), Labcorp
Classification: Benign for Deficiency of butyryl-CoA dehydrogenase. Last evaluated: 2019-12-30. Review status: criteria provided, single submitter. Criteria: Invitae Variant Classification Sherloc (09022015). Collection method: clinical testing. Allele origin: germline.

Illumina Laboratory Services, Illumina
Classification: Benign for Deficiency of butyryl-CoA dehydrogenase. Last evaluated: 2018-03-06. Review status: criteria provided, single submitter. Criteria: ICSL Variant Classification Criteria 13 December 2019. Collection method: clinical testing. Allele origin: germline.
Comment: This variant was observed in the ICSL laboratory as part of a predisposition screen in an ostensibly healthy population. It had not been previously curated by ICSL or reported in the Human Gene Mutation Database (HGMD: prior to June 1st, 2018), and was therefore a candidate for classification through an automated scoring system. Utilizing variant allele frequency, disease prevalence and penetrance estimates, and inheritance mode, an automated score was calculated to assess if this variant is too frequent to cause the disease. Based on the score and internal cut-off values, a variant classified as benign is not then subjected to further curation. The score for this variant resulted in a classification of benign for this disease.

GeneDx
Classification: Benign. Last evaluated: 2018-01-04. Review status: criteria provided, single submitter. Criteria: GeneDx Variant Classification Process June 2021. Collection method: clinical testing. Allele origin: germline. Affected: yes.
Comment: This variant is associated with the following publications: (PMID: 29555771, 29678161, 28532786, 18523805, 9499414, 11134486, 16926354, 12220177)

OMIM
Classification: Pathogenic for SCAD DEFICIENCY. Last evaluated: 2001-01-01. Review status: no assertion criteria provided. Collection method: literature only. Allele origin: germline. Not counted in ClinVar's aggregate classification.

GeneReviews
No classification provided. Condition: Deficiency of butyryl-CoA dehydrogenase. Review status: no classification provided. Collection method: literature only. Allele origin: germline. Affected: yes. Not counted in ClinVar's aggregate classification.

Literature cited by the submitters: PubMed 9499414 (cited by OMIM); PubMed 11134486 (cited by OMIM); PubMed 19800078 (cited by GeneReviews).

NM_000017.4(ACADS):c.511C>T (p.Arg171Trp)

Gene: ACADS (acyl-CoA dehydrogenase short chain; plus strand). Cytogenetic location: 12q24.31.
Variant type: single nucleotide variant.
Coding change: c.511C>T on transcript NM_000017.4 (MANE Select); coding-DNA position 511, C replaced by T.
Protein change: p.Arg171Trp; replaces arginine 171 with tryptophan.
Molecular consequence: missense variant. On other transcripts: intron variant (1).
Genome position (GRCh38, 1-based): chr12:120,737,875, C>T. VCF-style: chr12-120737875-C-T. GRCh37 (hg19) VCF-style: chr12-121175678-C-T.
Other names: R147W; p.R171W:CGG>TGG; c.473-174C>T (NM_001302554.2); short protein forms R171W.
Identifiers: ClinVar variation 3830 (VCV000003830.35), dbSNP rs1800556, ClinGen allele CA312214.